The following is an entry in ClinVar:

NM_000553.6(WRN):c.3150G>A (p.Trp1050Ter)

Gene: WRN (WRN RecQ like helicase; plus strand). Cytogenetic location: 8p12.
Variant type: single nucleotide variant.
Coding change: c.3150G>A on transcript NM_000553.6 (MANE Select); coding-DNA position 3150, G replaced by A.
Protein change: p.Trp1050Ter; replaces tryptophan 1050 with a stop codon.
Molecular consequence: nonsense.
Genome position (GRCh38, 1-based): chr8:31,141,692, G>A. VCF-style: chr8-31141692-G-A. GRCh37 (hg19) VCF-style: chr8-30999208-G-A.
Other names: short protein forms W1050*.
Identifiers: ClinVar variation 1068823 (VCV001068823.6), dbSNP rs2130417119, ClinGen allele CA370922902.

ClinVar aggregate classification (germline): Pathogenic/Likely pathogenic. Review status: criteria provided, multiple submitters, no conflicts (2 of 4 stars). 2 submissions from 2 submitters: Pathogenic (1); Likely pathogenic (1). Last evaluated 2026-02-13.

Conditions:
Werner syndrome (WRN). Identifiers: Orphanet 902, MedGen C0043119, MONDO:0010196, OMIM 277700.

gnomAD v4.1: 1 of 1,614,160 alleles (0.000062%); no homozygotes.

Submissions (2):

OLLIN Analises Genomicas, OLLIN
Classification: Likely pathogenic for Werner syndrome. Last evaluated: 2026-02-13. Review status: criteria provided, single submitter. Criteria: ACMG Guidelines 2015 PMID 25741868. Collection method: clinical testing. Allele origin: germline. Observed: 1 variant allele.
Comment: PVS1, PM2_P

Labcorp Genetics (formerly Invitae), Labcorp
Classification: Pathogenic for Werner syndrome. Last evaluated: 2022-11-29. Review status: criteria provided, single submitter. Criteria: Invitae Variant Classification Sherloc (09022015). Collection method: clinical testing. Allele origin: germline.
Comment: This sequence change creates a premature translational stop signal (p.Trp1050*) in the WRN gene. It is expected to result in an absent or disrupted protein product. Loss-of-function variants in WRN are known to be pathogenic (PMID: 16673358). This variant is not present in population databases (gnomAD no frequency). This variant has not been reported in the literature in individuals affected with WRN-related conditions. ClinVar contains an entry for this variant (Variation ID: 1068823). For these reasons, this variant has been classified as Pathogenic.

Literature cited by the submitters: PubMed 16673358 (cited by Labcorp Genetics (formerly Invitae), Labcorp).